The following is an entry in ClinVar:

NM_018489.3(ASH1L):c.1718A>C (p.Glu573Ala)

Gene: ASH1L (ASH1 like histone lysine methyltransferase; minus strand). Cytogenetic location: 1q22.
Variant type: single nucleotide variant.
Coding change: c.1718A>C on transcript NM_018489.3 (MANE Select); coding-DNA position 1718, A replaced by C.
Protein change: p.Glu573Ala; replaces glutamic acid 573 with alanine.
Molecular consequence: missense variant.
Genome position (GRCh38, 1-based): chr1:155,481,152, T>G on the plus strand (A>C on the coding strand, the complement: ASH1L is on the minus strand). VCF-style: chr1-155481152-T-G. GRCh37 (hg19) VCF-style: chr1-155450943-T-G.
Other names: c.1718A>C, p.Glu573Ala (NM_001366177.2); short protein forms E573A.
Identifiers: ClinVar variation 1690686 (VCV001690686.3), dbSNP rs767566687, ClinGen allele CA1147307.

ClinVar aggregate classification (germline): Uncertain significance. Review status: criteria provided, multiple submitters, no conflicts (2 of 4 stars). 2 submissions from 2 submitters: Uncertain significance (2). Last evaluated 2026-06-30.

Allele frequency attached by ClinVar (database versions not stated): gnomAD exomes below 0.00001; TOPMed 0.00002; ExAC 0.00001; gnomAD 0.00002.
gnomAD v4.1: 5 of 1,613,950 alleles (0.00031%); highest among the groups gnomAD compares: Admixed American, 0.0067%; no homozygotes.

Submissions (2):

Women's Health and Genetics/Laboratory Corporation of America, LabCorp
Classification: Uncertain significance. Last evaluated: 2026-06-30. Review status: criteria provided, single submitter. Criteria: LabCorp Variant Classification Summary - May 2015. Collection method: clinical testing. Allele origin: germline.
Comment: Variant summary: ASH1L c.1718A>C (p.Glu573Ala) results in a non-conservative amino acid change in the encoded protein sequence. Algorithms developed to predict the effect of missense changes on protein structure and function are either unavailable or do not agree on the potential impact of this missense change. The variant allele was found at a frequency of 4e-06 in 251162 control chromosomes. The available data on variant occurrences in the general population are insufficient to allow any conclusion about variant significance. To our knowledge, no occurrence of c.1718A>C in individuals affected with ASH1L-related conditions and no experimental evidence demonstrating its impact on protein function have been reported. ClinVar contains an entry for this variant (Variation ID: 1690686). Based on the evidence outlined above, the variant was classified as uncertain significance.

Laboratorio de Genetica e Diagnostico Molecular, Hospital Israelita Albert Einstein
Classification: Uncertain significance. Last evaluated: 2019-09-20. Review status: criteria provided, single submitter. Criteria: ACMG Guidelines, 2015. Collection method: clinical testing. Allele origin: germline. Affected: yes.
Comment: ACMG classification criteria: PM2